The following is an entry in ClinVar:

NM_032119.4(ADGRV1):c.12670T>G (p.Leu4224Val)

Gene: ADGRV1 (adhesion G protein-coupled receptor V1; plus strand). Cytogenetic location: 5q14.3.
Variant type: single nucleotide variant.
Coding change: c.12670T>G on transcript NM_032119.4 (MANE Select); coding-DNA position 12670, T replaced by G.
Protein change: p.Leu4224Val; replaces leucine 4224 with valine.
Molecular consequence: missense variant. On other transcripts: non-coding transcript variant (1).
Genome position (GRCh38, 1-based): chr5:90,778,430, T>G. VCF-style: chr5-90778430-T-G. GRCh37 (hg19) VCF-style: chr5-90074247-T-G.
Other names: short protein forms L4224V.
Identifiers: ClinVar variation 1943764 (VCV001943764.2), dbSNP rs2531864842, ClinGen allele CA360387642.
Genomic context (GRCh38, chr5:90,778,430, plus strand): 5'-GAGTTTTTCTTGAAATTCCACAGATTCTACTGTTGATGACTCTTTGTCTTTTTCTAGGCT[T>G]TGAACGATGACATTCCCGAGGAAAAAAGCTTCTATGAGTTTCAGCTCACTGCAGTCAGTG-3'
Protein context (NP_115495.3, residues 4214-4234): QSAVIVVIQA[Leu4224Val]NDDIPEEKSF

ClinVar aggregate classification (germline): Uncertain significance (1 of 4 stars; one submission).

Submission:

Labcorp Genetics (formerly Invitae), Labcorp
Classification: Uncertain significance. Last evaluated: 2022-06-01. Review status: criteria provided, single submitter. Criteria: Invitae Variant Classification Sherloc (09022015). Collection method: clinical testing. Allele origin: germline.
Comment: This sequence change replaces leucine, which is neutral and non-polar, with valine, which is neutral and non-polar, at codon 4224 of the ADGRV1 protein (p.Leu4224Val). This variant is not present in population databases (gnomAD no frequency). This variant has not been reported in the literature in individuals affected with ADGRV1-related conditions. Algorithms developed to predict the effect of missense changes on protein structure and function are either unavailable or do not agree on the potential impact of this missense change (SIFT: "Deleterious"; PolyPhen-2: "Benign"; Align-GVGD: "Class C0"). In summary, the available evidence is currently insufficient to determine the role of this variant in disease. Therefore, it has been classified as a Variant of Uncertain Significance.